The following is an entry in ClinVar:

ClinVar aggregate classification (germline): Uncertain significance. Review status: criteria provided, multiple submitters, no conflicts (2 of 4 stars). 3 submissions from 3 submitters: Uncertain significance (3). Last evaluated 2026-01-13.

Conditions:
Hereditary cancer-predisposing syndrome. Also called: Tumor predisposition; Neoplastic Syndromes, Hereditary; Hereditary Cancer Syndrome; Hereditary neoplastic syndrome. Identifiers: Orphanet 140162, MedGen C0027672, MeSH D009386, MONDO:0015356.
Hereditary breast ovarian cancer syndrome. Also called: BRCA1- and BRCA2-Associated Hereditary Breast and Ovarian Cancer; Hereditary breast and ovarian cancer; Hereditary breast and ovarian cancer syndrome (HBOC); Breast and ovarian cancer; Hereditary breast and/or ovarian cancer syndrome; Hereditary breast and ovarian cancer syndrome. Identifiers: Orphanet 145, MedGen C0677776, MeSH D061325, MONDO:0003582. Disease mechanism: loss of function.

Submissions (3):

German Consortium for Hereditary Breast and Ovarian Cancer, University Hospital Cologne
Classification: Uncertain significance for Hereditary breast ovarian cancer syndrome. Last evaluated: 2026-01-13. Review status: criteria provided, single submitter. Criteria: ClinGen ATM V1.4.0. Collection method: curation. Allele origin: germline.
Comment: This classification follows the ClinGen ACMG ATM v1.4.0 classification scheme; We chose these criteria: PS3 (medium pathogenic): Fernet at al. Br J Cancer 2024 (PMID: 14970866) between damaging to intermediate , PM2 (supporting pathogenic): absent from gnomAD v2/3/4, PM3 (supporting pathogenic): Micol (2011, PMID: 21665257): Identified together with c.8030delA (p.(Tyr2677Leufs*5)) in patient 01-38500A001 (s. Supp. Data): phase unknown + phenotype consistent -->1P --> PM3_SUP, PP3 (supporting pathogenic): REVEL 0.896

CeGaT Center for Human Genetics Tuebingen
Classification: Uncertain significance. Last evaluated: 2025-01-01. Review status: criteria provided, single submitter. Criteria: CeGaT Center For Human Genetics Tuebingen Variant Classification Criteria Version 2. Collection method: clinical testing. Allele origin: germline. Affected: yes. Observed: 1 variant allele.
Comment: ATM: PM2, PS4:Supporting

Ambry Genetics
Classification: Uncertain significance for Hereditary cancer-predisposing syndrome. Last evaluated: 2018-11-12. Review status: criteria provided, single submitter. Criteria: Ambry Variant Classification Scheme 2023. Collection method: clinical testing. Allele origin: germline.
Comment: The p.V2830G variant (also known as c.8489T>G), located in coding exon 57 of the ATM gene, results from a T to G substitution at nucleotide position 8489. The valine at codon 2830 is replaced by glycine, an amino acid with dissimilar properties. In a functional study of several ATM heterozygote lymphoblastoid cell lines, this variant was found to impair some, but not all functions of the ATM protein (Fernet M et al. Br. J. Cancer, 2004 Feb;90:866-73). This amino acid position is highly conserved in available vertebrate species. In addition, this alteration is predicted to be deleterious by in silico analysis. Since supporting evidence is limited at this time, the clinical significance of this alteration remains unclear.

Literature cited by the submitters: PubMed 14970866 (cited by Ambry Genetics); PubMed 29665859 (cited by Ambry Genetics).

NM_000051.4(ATM):c.8489T>G (p.Val2830Gly)

Genes: ATM (ATM serine/threonine kinase; plus strand), C11orf65 (chromosome 11 open reading frame 65; minus strand). Cytogenetic location: 11q22.3.
Variant type: single nucleotide variant.
Coding change: c.8489T>G on transcript NM_000051.4 (MANE Select); coding-DNA position 8489, T replaced by G.
Protein change: p.Val2830Gly; replaces valine 2830 with glycine.
Molecular consequence: missense variant. On other transcripts: intron variant (2).
Genome position (GRCh38, 1-based): chr11:108,345,813, T>G. VCF-style: chr11-108345813-T-G. GRCh37 (hg19) VCF-style: chr11-108216540-T-G.
Other names: c.8489T>G, p.Val2830Gly (NM_001351834.2); c.641-36742A>C (NM_001330368.2); c.695-10521A>C (NM_001351110.2); short protein forms V2830G.
Identifiers: ClinVar variation 822492 (VCV000822492.20), dbSNP rs1591264625, ClinGen allele CA382518081.